The following is an entry in ClinVar:

NM_001256789.3(CACNA1F):c.2391GGA[6] (p.Glu814del)

Gene: CACNA1F (calcium voltage-gated channel subunit alpha1 F; minus strand). Cytogenetic location: Xp11.23.
Variant type: Microsatellite.
Coding change: c.2391GGA[6] on transcript NM_001256789.3 (MANE Select); six copies in a row of the 3-base unit GGA starting at c.2391; the reference has seven copies in a row; one copy, 3 bases deleted.
Protein change: p.Glu814del; deletes glutamic acid 814.
Molecular consequence: inframe deletion.
Genome position (GRCh38, 1-based): chrX:49,219,766-49,219,768, TCC deleted on the plus strand (GGA on the coding strand, the reverse complement: CACNA1F is on the minus strand); deleting any 3 consecutive bases within chrX:49,219,766-49,219,786 gives the same sequence; the position shown is the placement nearest the transcript's 3' end. VCF-style (leftmost placement, unchanged base first): chrX-49219765-TTCC-T. GRCh37 (hg19) VCF-style: chrX-49076224-TTCC-T.
Other names: c.2229GGA[6], p.Glu760del (NM_001256790.3); c.2424GGA[6], p.Glu825del (NM_005183.4); c.2442_2444del (NM_005183.3); short protein forms E825del, E760del, E814del.
Identifiers: ClinVar variation 771060 (VCV000771060.13), dbSNP rs112450928, ClinGen allele CA10410672.

ClinVar aggregate classification (germline): Likely benign. Review status: criteria provided, multiple submitters, no conflicts (2 of 4 stars). 3 submissions from 3 submitters: Likely benign (2). 1 of the submissions does not count toward it. Last evaluated 2026-01-15.

Conditions:
CACNA1F-related disorder. Also called: CACNA1F-related condition.

Submissions (3):

Labcorp Genetics (formerly Invitae), Labcorp
Classification: Likely benign. Last evaluated: 2026-01-15. Review status: criteria provided, single submitter. Criteria: Invitae Variant Classification Sherloc (09022015). Collection method: clinical testing. Allele origin: germline.

Blueprint Genetics
Classification: Likely benign. Last evaluated: 2024-11-28. Review status: criteria provided, single submitter. Criteria: ACMG Guidelines, 2015. Collection method: clinical testing. Allele origin: germline.

PreventionGenetics, part of Exact Sciences
Classification: Likely benign for CACNA1F-related condition. Last evaluated: 2019-07-01. Review status: no assertion criteria provided. Collection method: clinical testing. Allele origin: germline. Not counted in ClinVar's aggregate classification.
Comment: This variant is classified as likely benign based on ACMG/AMP sequence variant interpretation guidelines (Richards et al. 2015 PMID: 25741868, with internal and published modifications).